The following is an entry in ClinVar:

ClinVar aggregate classification (germline): Uncertain significance (1 of 4 stars; one submission).

Allele frequency attached by ClinVar (database versions not stated): ExAC 0.00002; gnomAD exomes 0.00002 and 0.00004.
gnomAD v4.1: 34 of 1,611,988 alleles (0.0021%); highest among the groups gnomAD compares: South Asian, 0.037%; no homozygotes.

Submission:

Laboratory for Molecular Medicine, Mass General Brigham Personalized Medicine
Classification: Uncertain significance. Last evaluated: 2014-10-09. Review status: criteria provided, single submitter. Criteria: LMM Criteria. Collection method: clinical testing. Allele origin: germline. Observed: 1 variant allele.
Comment: The p.Arg5061Lys variant in TTN has not been previously reported in individuals with cardiomyopathy or in large population studies. Computational prediction too ls and conservation analysis are limited or unavailable for this variant. In sum mary, the clinical significance of the p.Arg5061Lys variant is uncertain.

NM_133379.5(TTN):c.15182G>A (p.Arg5061Lys)

Gene: TTN (titin; minus strand). Cytogenetic location: 2q31.2.
Variant type: single nucleotide variant.
Coding change: c.15182G>A on transcript NM_133379.5; coding-DNA position 15182, G replaced by A.
Protein change: p.Arg5061Lys; replaces arginine 5061 with lysine.
Molecular consequence: missense variant. On other transcripts: intron variant (6).
Genome position (GRCh38, 1-based): chr2:178,747,218, C>T on the plus strand (G>A on the coding strand, the complement: TTN is on the minus strand). VCF-style: chr2-178747218-C-T. GRCh37 (hg19) VCF-style: chr2-179611945-C-T.
Other names: c.10223-5297G>A (NM_003319.4); c.10799-5297G>A (NM_133437.4); c.10598-5297G>A (NM_133432.3); c.10360+5906G>A (NM_133378.4); c.10361-5297G>A (NM_001256850.1); c.11312-5297G>A (NM_001267550.2); short protein forms R5061K.
Identifiers: ClinVar variation 166254 (VCV000166254.5), dbSNP rs727503664, ClinGen allele CA179082.